The following is an entry in ClinVar:

NM_000642.3(AGL):c.4250T>C (p.Leu1417Ser)

Gene: AGL (amylo-alpha-1,6-glucosidase and 4-alpha-glucanotransferase; plus strand). Cytogenetic location: 1p21.2.
Variant type: single nucleotide variant.
Coding change: c.4250T>C on transcript NM_000642.3 (MANE Select); coding-DNA position 4250, T replaced by C.
Protein change: p.Leu1417Ser; replaces leucine 1417 with serine.
Molecular consequence: missense variant.
Genome position (GRCh38, 1-based): chr1:99,915,477, T>C. VCF-style: chr1-99915477-T-C. GRCh37 (hg19) VCF-style: chr1-100381033-T-C.
Other names: c.4250T>C, p.Leu1417Ser (NM_000028.3, NM_000643.3, NM_000644.3 and 1 more transcripts); c.4202T>C, p.Leu1401Ser (NM_000646.3); c.4229T>C, p.Leu1410Ser (NM_001425326.1); c.4049T>C, p.Leu1350Ser (NM_001425327.1); c.4046T>C, p.Leu1349Ser (NM_001425328.1); c.3911T>C, p.Leu1304Ser (NM_001425329.1); c.3872T>C, p.Leu1291Ser (NM_001425332.1); short protein forms L1401S, L1417S, L1291S, L1304S, L1349S, L1350S, L1410S.
Identifiers: ClinVar variation 1878424 (VCV001878424.4), dbSNP rs1655047525, ClinGen allele CA341341493.
Genomic context (GRCh38, chr1:99,915,477, plus strand): 5'-CATGGAAAGCTTTGGAGATTGCAGAAAAAAAATTGCTTGGTCCCCTTGGCATGAAAACTT[T>C]AGATCCAGAGTAAGTTGGAATATAAGTATTAAGAATGTTATCATATTTAATCCAAATACA-3'
Protein context (NP_000633.2, residues 1407-1427): KLLGPLGMKT[Leu1417Ser]DPDDMVYCGI

ClinVar aggregate classification (germline): Uncertain significance. Review status: criteria provided, multiple submitters, no conflicts (2 of 4 stars). 3 submissions from 3 submitters: Uncertain significance (3). Last evaluated 2023-04-11.

Conditions:
Glycogen storage disease type III (GSD3). Also called: Cori disease; FORBES DISEASE. Identifiers: Orphanet 366, MedGen C0017922, MONDO:0009291, OMIM 232400.

Submissions (3):

Genome-Nilou Lab
Classification: Uncertain significance for Glycogen storage disease type III. Last evaluated: 2023-04-11. Review status: criteria provided, single submitter. Criteria: ACMG Guidelines, 2015. Collection method: clinical testing. Allele origin: germline. Affected: no.

Women's Health and Genetics/Laboratory Corporation of America, LabCorp
Classification: Uncertain significance. Last evaluated: 2022-12-05. Review status: criteria provided, single submitter. Criteria: LabCorp Variant Classification Summary - May 2015. Collection method: clinical testing. Allele origin: germline.

Labcorp Genetics (formerly Invitae), Labcorp
Classification: Uncertain significance for Glycogen storage disease type III. Last evaluated: 2022-08-07. Review status: criteria provided, single submitter. Criteria: Invitae Variant Classification Sherloc (09022015). Collection method: clinical testing. Allele origin: germline.
Comment: This sequence change replaces leucine, which is neutral and non-polar, with serine, which is neutral and polar, at codon 1417 of the AGL protein (p.Leu1417Ser). This variant is not present in population databases (gnomAD no frequency). This variant has not been reported in the literature in individuals affected with AGL-related conditions. Algorithms developed to predict the effect of missense changes on protein structure and function (SIFT, PolyPhen-2, Align-GVGD) all suggest that this variant is likely to be disruptive. In summary, the available evidence is currently insufficient to determine the role of this variant in disease. Therefore, it has been classified as a Variant of Uncertain Significance.